The following is an entry in ClinVar:

NM_001290060.2(SEMA3B):c.1887A>G (p.Leu629=)

Gene: SEMA3B (semaphorin 3B; plus strand). Cytogenetic location: 3p21.31.
Variant type: single nucleotide variant.
Coding change: c.1887A>G on transcript NM_001290060.2 (MANE Select); coding-DNA position 1887, A replaced by G.
Protein change: p.Leu629=; no amino-acid change (leucine 629 retained).
Molecular consequence: synonymous variant. On other transcripts: non-coding transcript variant (1).
Genome position (GRCh38, 1-based): chr3:50,276,343, A>G. VCF-style: chr3-50276343-A-G. GRCh37 (hg19) VCF-style: chr3-50313774-A-G.
Other names: c.1884A>G, p.Leu628= (NM_001005914.3); c.1902A>G, p.Leu634= (NM_001290061.1); c.858A>G, p.Leu286= (NM_001290062.2, NM_001290063.2); c.1887A>G, p.Leu629= (NM_004636.4).
Identifiers: ClinVar variation 3354478 (VCV003354478.1).

ClinVar aggregate classification (germline): Likely benign (0 of 4 stars; one submission).

Conditions:
SEMA3B-related disorder. Also called: SEMA3B-related condition.

Submission:

PreventionGenetics, part of Exact Sciences
Classification: Likely benign for SEMA3B-related condition. Last evaluated: 2024-05-09. Review status: no assertion criteria provided. Collection method: clinical testing. Allele origin: germline.
Comment: This variant is classified as likely benign based on ACMG/AMP sequence variant interpretation guidelines (Richards et al. 2015 PMID: 25741868, with internal and published modifications).